The following is an entry in ClinVar:

ClinVar aggregate classification (germline): Uncertain significance (1 of 4 stars; one submission).

gnomAD v4.1: 2 of 1,581,024 alleles (0.00013%); highest among the groups gnomAD compares: Non-Finnish European, 0.00017%; no homozygotes.

Submission:

Labcorp Genetics (formerly Invitae), Labcorp
Classification: Uncertain significance. Last evaluated: 2021-08-31. Review status: criteria provided, single submitter. Criteria: Invitae Variant Classification Sherloc (09022015). Collection method: clinical testing. Allele origin: germline.
Comment: This sequence change replaces threonine with alanine at codon 141 of the ASAH1 protein (p.Thr141Ala). The threonine residue is highly conserved and there is a small physicochemical difference between threonine and alanine. This variant is not present in population databases (ExAC no frequency). This variant has not been reported in the literature in individuals affected with ASAH1-related conditions. Algorithms developed to predict the effect of missense changes on protein structure and function are either unavailable or do not agree on the potential impact of this missense change (SIFT: "Tolerated"; PolyPhen-2: "Possibly Damaging"; Align-GVGD: "Class C0"). In summary, the available evidence is currently insufficient to determine the role of this variant in disease. Therefore, it has been classified as a Variant of Uncertain Significance.

NM_177924.5(ASAH1):c.421A>G (p.Thr141Ala)

Gene: ASAH1 (N-acylsphingosine amidohydrolase 1; minus strand). Cytogenetic location: 8p22.
Variant type: single nucleotide variant.
Coding change: c.421A>G on transcript NM_177924.5 (MANE Select); coding-DNA position 421, A replaced by G.
Protein change: p.Thr141Ala; replaces threonine 141 with alanine.
Molecular consequence: missense variant.
Genome position (GRCh38, 1-based): chr8:18,064,493, T>C on the plus strand (A>G on the coding strand, the complement: ASAH1 is on the minus strand). VCF-style: chr8-18064493-T-C. GRCh37 (hg19) VCF-style: chr8-17922002-T-C.
Other names: c.403A>G, p.Thr135Ala (NM_001127505.3); c.226A>G, p.Thr76Ala (NM_001363743.2); c.469A>G, p.Thr157Ala (NM_004315.6); short protein forms T157A, T135A, T141A, T76A.
Identifiers: ClinVar variation 1439720 (VCV001439720.5), dbSNP rs1406240192, ClinGen allele CA370431662.